The following is an entry in ClinVar:

ClinVar aggregate classification (germline): Uncertain significance (1 of 4 stars; one submission).

Conditions:
Encephalopathy, acute, infection-induced (herpes-specific), susceptibility to, 6. Also called: Herpes simplex encephalitis, susceptibility to, 4. Identifiers: Orphanet 1930, MedGen C3553869, MONDO:0013921, OMIM 614850.

Allele frequency attached by ClinVar (database versions not stated): TOPMed 0.00005; 1000 Genomes Project 30x 0.00016.

Submission:

Labcorp Genetics (formerly Invitae), Labcorp
Classification: Uncertain significance for Encephalopathy, acute, infection-induced (herpes-specific), susceptibility to, 6. Last evaluated: 2024-10-24. Review status: criteria provided, single submitter. Criteria: Invitae Variant Classification Sherloc (09022015). Collection method: clinical testing. Allele origin: germline.
Comment: This sequence change replaces aspartic acid, which is acidic and polar, with histidine, which is basic and polar, at codon 233 of the TICAM1 protein (p.Asp233His). This variant is present in population databases (rs141739488, gnomAD 0.05%). This variant has not been reported in the literature in individuals affected with TICAM1-related conditions. ClinVar contains an entry for this variant (Variation ID: 571835). An algorithm developed to predict the effect of missense changes on protein structure and function outputs the following: PolyPhen-2: "Benign". The histidine amino acid residue is found in multiple mammalian species, which suggests that this missense change does not adversely affect protein function. In summary, the available evidence is currently insufficient to determine the role of this variant in disease. Therefore, it has been classified as a Variant of Uncertain Significance.

NM_182919.4(TICAM1):c.697G>C (p.Asp233His)

Gene: TICAM1 (TIR domain containing adaptor molecule 1; minus strand). Cytogenetic location: 19p13.3.
Variant type: single nucleotide variant.
Coding change: c.697G>C on transcript NM_182919.4 (MANE Select); coding-DNA position 697, G replaced by C.
Protein change: p.Asp233His; replaces aspartic acid 233 with histidine.
Molecular consequence: missense variant.
Genome position (GRCh38, 1-based): chr19:4,817,681, C>G on the plus strand (G>C on the coding strand, the complement: TICAM1 is on the minus strand). VCF-style: chr19-4817681-C-G. GRCh37 (hg19) VCF-style: chr19-4817693-C-G.
Other names: c.655G>C, p.Asp219His (NM_001385678.1); c.562G>C, p.Asp188His (NM_001385679.1); c.55G>C, p.Asp19His (NM_001385680.1); short protein forms D233H, D188H, D19H, D219H.
Identifiers: ClinVar variation 571835 (VCV000571835.7), dbSNP rs141739488, ClinGen allele CA9105302.